The following is an entry in ClinVar:

ClinVar aggregate classification (germline): Uncertain significance (1 of 4 stars; one submission).

Conditions:
Drash syndrome (DDS). Also called: NEPHROPATHY, WILMS TUMOR, AND GENITAL ANOMALIES; WILMS TUMOR AND PSEUDO- OR TRUE HERMAPHRODITISM. Identifiers: Orphanet 220, MedGen C0950121, MONDO:0008682, OMIM 194080.
Frasier syndrome. Identifiers: Orphanet 347, MedGen C0950122, MeSH D052159, MONDO:0007635, OMIM 136680.
Wilms tumor 1 (WT1). Also called: Wilms tumor, somatic. Identifiers: Orphanet 654, MedGen CN033288, MONDO:0008679, OMIM 194070.
11p partial monosomy syndrome (WAGR). Also called: CHROMOSOME 11p13 DELETION SYNDROME; WAGR Spectrum Disorder; WAGR Complex; WAGR syndrome. Identifiers: Orphanet 893, MedGen C0206115, MONDO:0008681, OMIM 194072.

Allele frequency attached by ClinVar (database versions not stated): gnomAD exomes below 0.00001; TOPMed below 0.00001.
gnomAD v4.1: 6 of 1,464,572 alleles (0.00041%); highest among the groups gnomAD compares: Middle Eastern, 0.025%; no homozygotes.

Submission:

Labcorp Genetics (formerly Invitae), Labcorp
Classification: Uncertain significance for Wilms tumor 1; Drash syndrome; 11p partial monosomy syndrome; Frasier syndrome. Last evaluated: 2025-08-28. Review status: criteria provided, single submitter. Criteria: Invitae Variant Classification Sherloc (09022015). Collection method: clinical testing. Allele origin: germline.
Comment: This sequence change replaces valine, which is neutral and non-polar, with alanine, which is neutral and non-polar, at codon 105 of the WT1 protein (p.Val105Ala). This variant is not present in population databases (gnomAD no frequency). This variant has not been reported in the literature in individuals affected with WT1-related conditions. ClinVar contains an entry for this variant (Variation ID: 1059753). Invitae Evidence Modeling of protein sequence and biophysical properties (such as structural, functional, and spatial information, amino acid conservation, physicochemical variation, residue mobility, and thermodynamic stability) indicates that this missense variant is not expected to disrupt WT1 protein function with a negative predictive value of 95%. In summary, the available evidence is currently insufficient to determine the role of this variant in disease. Therefore, it has been classified as a Variant of Uncertain Significance.

NM_024426.6(WT1):c.329T>C (p.Val110Ala)

Genes: WT1 (WT1 transcription factor; minus strand), LOC107982234 (WT1/WT1-AS bi-directional promoter region; plus strand). Cytogenetic location: 11p13.
Variant type: single nucleotide variant.
Coding change: c.329T>C on transcript NM_024426.6 (MANE Select); coding-DNA position 329, T replaced by C.
Protein change: p.Val110Ala; replaces valine 110 with alanine.
Molecular consequence: missense variant. On other transcripts: non-coding transcript variant (1).
Genome position (GRCh38, 1-based): chr11:32,435,032, A>G on the plus strand (T>C on the coding strand, the complement: WT1 is on the minus strand). VCF-style: chr11-32435032-A-G. GRCh37 (hg19) VCF-style: chr11-32456578-A-G.
Other names: c.329T>C, p.Val110Ala (NM_000378.6, NM_024424.5); short protein forms V110A.
Identifiers: ClinVar variation 1059753 (VCV001059753.7), dbSNP rs1853459284, ClinGen allele CA379965914.
Genomic context (GRCh38, chr11:32,435,032, plus strand): 5'-GGCGGCGCGGGGCCGCCCAACGACCCGTAAGCCGAAGCGCCCGGGGGCGCAAAGTCCAGC[A>G]CCGGCGCCCACTGCGCCGCGCCGCTCACAGGCAGGGCACAGCCGCCGCCGCCACCCAGGG-3'
Protein context (NP_077744.4, residues 100-120): PVSGAAQWAP[Val110Ala]LDFAPPGASA